The following is an entry in ClinVar:

NM_206933.4(USH2A):c.4976G>A (p.Arg1659Lys)

Genes: USH2A (usherin; minus strand), USH2A-AS2 (USH2A antisense RNA 2; plus strand). Cytogenetic location: 1q41.
Variant type: single nucleotide variant.
Coding change: c.4976G>A on transcript NM_206933.4 (MANE Select); coding-DNA position 4976, G replaced by A.
Protein change: p.Arg1659Lys; replaces arginine 1659 with lysine.
Molecular consequence: missense variant. On other transcripts: non-coding transcript variant (2).
Genome position (GRCh38, 1-based): chr1:216,086,730, C>T on the plus strand (G>A on the coding strand, the complement: USH2A is on the minus strand). VCF-style: chr1-216086730-C-T. GRCh37 (hg19) VCF-style: chr1-216260072-C-T.
Other names: short protein forms R1659K.
Identifiers: ClinVar variation 2153039 (VCV002153039.4), dbSNP rs972682102, ClinGen allele CA37447573.

ClinVar aggregate classification (germline): Uncertain significance. Review status: criteria provided, multiple submitters, no conflicts (2 of 4 stars). 2 submissions from 2 submitters: Uncertain significance (2). Last evaluated 2024-05-08.

Allele frequency attached by ClinVar (database versions not stated): gnomAD 0.00001; gnomAD exomes 0.00002; TOPMed 0.00003.
gnomAD v4.1: 30 of 1,612,182 alleles (0.0019%); highest among the groups gnomAD compares: Non-Finnish European, 0.0025%; no homozygotes.

Submissions (2):

Labcorp Genetics (formerly Invitae), Labcorp
Classification: Uncertain significance. Last evaluated: 2024-05-08. Review status: criteria provided, single submitter. Criteria: Invitae Variant Classification Sherloc (09022015). Collection method: clinical testing. Allele origin: germline.
Comment: This sequence change replaces arginine, which is basic and polar, with lysine, which is basic and polar, at codon 1659 of the USH2A protein (p.Arg1659Lys). This variant is present in population databases (no rsID available, gnomAD 0.003%). This variant has not been reported in the literature in individuals affected with USH2A-related conditions. ClinVar contains an entry for this variant (Variation ID: 2153039). Advanced modeling of protein sequence and biophysical properties (such as structural, functional, and spatial information, amino acid conservation, physicochemical variation, residue mobility, and thermodynamic stability) performed at Invitae indicates that this missense variant is not expected to disrupt USH2A protein function with a negative predictive value of 95%. In summary, the available evidence is currently insufficient to determine the role of this variant in disease. Therefore, it has been classified as a Variant of Uncertain Significance.

Blueprint Genetics
Classification: Uncertain significance. Last evaluated: 2021-10-05. Review status: criteria provided, single submitter. Criteria: ACMG Guidelines, 2015. Collection method: clinical testing. Allele origin: germline.